The following is an entry in ClinVar:

ClinVar aggregate classification (germline): Uncertain significance (1 of 4 stars; one submission).

Conditions:
Vici syndrome (VICIS). Identifiers: Orphanet 1493, MedGen C1855772, MONDO:0009452, OMIM 242840.

Submission:

Labcorp Genetics (formerly Invitae), Labcorp
Classification: Uncertain significance for Vici syndrome. Last evaluated: 2025-08-15. Review status: criteria provided, single submitter. Criteria: Invitae Variant Classification Sherloc (09022015). Collection method: clinical testing. Allele origin: germline.
Comment: This sequence change replaces alanine, which is neutral and non-polar, with aspartic acid, which is acidic and polar, at codon 15 of the EPG5 protein (p.Ala15Asp). This variant is not present in population databases (gnomAD no frequency). This variant has not been reported in the literature in individuals affected with EPG5-related conditions. An algorithm developed to predict the effect of missense changes on protein structure and function (PolyPhen-2) suggests that this variant is likely to be disruptive. In summary, the available evidence is currently insufficient to determine the role of this variant in disease. Therefore, it has been classified as a Variant of Uncertain Significance.

NM_020964.3(EPG5):c.44C>A (p.Ala15Asp)

Gene: EPG5 (ectopic P-granules 5 autophagy tethering factor; minus strand). Cytogenetic location: 18q21.1.
Variant type: single nucleotide variant.
Coding change: c.44C>A on transcript NM_020964.3 (MANE Select); coding-DNA position 44, C replaced by A.
Protein change: p.Ala15Asp; replaces alanine 15 with aspartic acid.
Molecular consequence: missense variant.
Genome position (GRCh38, 1-based): chr18:45,967,196, G>T on the plus strand (C>A on the coding strand, the complement: EPG5 is on the minus strand). VCF-style: chr18-45967196-G-T. GRCh37 (hg19) VCF-style: chr18-43547162-G-T.
Other names: c.44C>A, p.Ala15Asp (NM_001410858.1, NM_001410859.1); short protein forms A15D.
Identifiers: ClinVar variation 4806983 (VCV004806983.1).